The following is an entry in ClinVar:

NM_004208.4(AIFM1):c.1553A>C (p.Lys518Thr)

Genes: AIFM1 (apoptosis inducing factor mitochondria associated 1; minus strand), RAB33A (RAB33A, member RAS oncogene family; plus strand). Cytogenetic location: Xq26.1.
Variant type: single nucleotide variant.
Coding change: c.1553A>C on transcript NM_004208.4 (MANE Select); coding-DNA position 1553, A replaced by C.
Protein change: p.Lys518Thr; replaces lysine 518 with threonine.
Molecular consequence: missense variant. On other transcripts: 3 prime UTR variant (1), non-coding transcript variant (1).
Genome position (GRCh38, 1-based): chrX:130,131,695, T>G on the plus strand (A>C on the coding strand, the complement: AIFM1 is on the minus strand). VCF-style: chrX-130131695-T-G. GRCh37 (hg19) VCF-style: chrX-129265670-T-G.
Other names: c.536A>C, p.Lys179Thr (NM_001130846.4); c.*781A>C (NM_001130847.4); c.1541A>C, p.Lys514Thr (NM_145812.3); short protein forms K179T, K514T, K518T.
Identifiers: ClinVar variation 3250809 (VCV003250809.18), dbSNP rs1395668909.

ClinVar aggregate classification (germline): Uncertain significance (1 of 4 stars; one submission).

Submission:

CeGaT Center for Human Genetics Tuebingen
Classification: Uncertain significance. Last evaluated: 2026-08-01. Review status: criteria provided, single submitter. Criteria: CeGaT Center For Human Genetics Tuebingen Variant Classification Criteria Version 2. Collection method: clinical testing. Allele origin: germline. Affected: yes. Observed: 1 variant allele.
Comment: AIFM1: PM2